The following is an entry in ClinVar:

ClinVar aggregate classification (germline): Uncertain significance (1 of 4 stars; one submission).

Conditions:
TTN-related disorder. Also called: TTN-related disorders; TTN-related condition; TTN-related disease.

Submission:

PreventionGenetics, part of Exact Sciences
Classification: Uncertain significance for TTN-related condition. Last evaluated: 2025-10-12. Review status: criteria provided, single submitter. Criteria: ACMG Guidelines, 2015. Collection method: clinical testing. Allele origin: germline.
Comment: The TTN c.23273G>A variant is predicted to result in the amino acid substitution p.Ser7758Asn. To our knowledge, this variant has not been reported in the literature. This variant is reported in 0.00089% of alleles in individuals of European (Non-Finnish) descent in gnomAD. At this time, the clinical significance of this variant is uncertain due to the absence of conclusive functional and genetic evidence.

NM_001267550.2(TTN):c.23273G>A (p.Ser7758Asn)

Gene: TTN (titin; minus strand). Cytogenetic location: 2q31.2.
Variant type: single nucleotide variant.
Coding change: c.23273G>A on transcript NM_001267550.2 (MANE Select); coding-DNA position 23273, G replaced by A.
Protein change: p.Ser7758Asn; replaces serine 7758 with asparagine.
Molecular consequence: missense variant. On other transcripts: intron variant (3).
Genome position (GRCh38, 1-based): chr2:178,720,489, C>T on the plus strand (G>A on the coding strand, the complement: TTN is on the minus strand). VCF-style: chr2-178720489-C-T. GRCh37 (hg19) VCF-style: chr2-179585216-C-T.
Other names: c.22322G>A, p.Ser7441Asn (NM_001256850.1); c.19541G>A, p.Ser6514Asn (NM_133378.4); c.13282+17593G>A (NM_003319.4); c.13858+17593G>A (NM_133437.4); c.13657+17593G>A (NM_133432.3); short protein forms S7758N, S6514N, S7441N.
Identifiers: ClinVar variation 4999888 (VCV004999888.1).
Genomic context (GRCh38, chr2:178,720,489, plus strand): 5'-TTAGTAGCTTTGCAGTGATATTCCCCGACATCGGAGGCTTCAAGATTAAGGATATGAAGA[C>T]TTGTATCAAAATGTTTTGAAGTGATTTTAAATTTCTTGCTGTTTCTAACCTGCTTTCGAT-3'
Protein context (NP_001254479.2, residues 7748-7768): FKITSKHFDT[Ser7758Asn]LHILNLEASD